The following is an entry in ClinVar:

NM_000465.4(BARD1):c.1865_1903+274del

Gene: BARD1 (BRCA1 associated RING domain 1; minus strand). Cytogenetic location: 2q35.
Variant type: Deletion.
Coding change: c.1865_1903+274del on transcript NM_000465.4 (MANE Select); coding-DNA position 1865 through 274 bases into the intron after coding-DNA position 1903, 313 bases deleted.
Molecular consequence: splice donor variant. On other transcripts: intron variant (1).
Genome position (GRCh38, 1-based): chr2:214,744,793-214,745,105, 313 bases deleted. GRCh37 (hg19): chr2:215,609,519-215,609,831.
Other names: c.455_493+274del (NM_001282548.2); c.1808_1846+274del (NM_001282543.2); c.512_550+274del (NM_001282545.2); c.365-14597_365-14285del (NM_001282549.2).
Identifiers: ClinVar variation 837245 (VCV000837245.12), dbSNP rs1693019491, ClinGen allele CA916082282.

ClinVar aggregate classification (germline): Likely pathogenic. Review status: criteria provided, multiple submitters, no conflicts (2 of 4 stars). 3 submissions from 3 submitters: Likely pathogenic (3). Last evaluated 2025-08-31.

Conditions:
Hereditary cancer-predisposing syndrome. Also called: Neoplastic Syndromes, Hereditary; Tumor predisposition; Hereditary neoplastic syndrome; Hereditary Cancer Syndrome. Identifiers: Orphanet 140162, MedGen C0027672, MeSH D009386, MONDO:0015356.
Familial cancer of breast. Also called: Hereditary breast cancer; hereditary breast carcinoma; BREAST CANCER, FAMILIAL. Identifiers: Orphanet 227535, MedGen C0346153, MONDO:0016419, OMIM 114480. Disease mechanism: loss of function.

Submissions (3):

Labcorp Genetics (formerly Invitae), Labcorp
Classification: Likely pathogenic for Familial cancer of breast. Last evaluated: 2025-08-31. Review status: criteria provided, single submitter. Criteria: Invitae Variant Classification Sherloc (09022015). Collection method: clinical testing. Allele origin: germline.
Comment: This variant results in the deletion of part of exon 9 (c.1865_1903+274del) of the BARD1 gene. RNA analysis indicates that this variant induces altered splicing and may result in an absent or altered protein product. This variant is not present in population databases (gnomAD no frequency). This variant has not been reported in the literature in individuals affected with BARD1-related conditions. ClinVar contains an entry for this variant (Variation ID: 837245). Studies have shown that this variant results in skipping of exon 8 and 9, and produces a non-functional protein and/or introduces a premature termination codon (internal data). In summary, the currently available evidence indicates that the variant is pathogenic, but additional data are needed to prove that conclusively. Therefore, this variant has been classified as Likely Pathogenic.

Ambry Genetics
Classification: Likely pathogenic for Hereditary cancer-predisposing syndrome. Last evaluated: 2025-04-07. Review status: criteria provided, single submitter. Criteria: Ambry Variant Classification Scheme 2023. Collection method: clinical testing. Allele origin: germline.
Comment: The c.1865_1903+274del313 gross deletion, which spans from coding exon 9 through intron 9 of the BARD1 gene, results from a deletion of 313 nucleotides at positions c.1865 to c.1903+274, including 39bp of coding sequence. The resulting transcript is predicted to preserve the reading frame and is not expected to trigger nonsense-mediated mRNAdecay. However, gross deletions are typically deleterious in nature. Based on the majority of available evidence to date, this variant is likely to be pathogenic.

Molecular Diagnostics Laboratory, Catalan Institute of Oncology
Classification: Likely pathogenic for Hereditary cancer-predisposing syndrome. Last evaluated: 2024-08-05. Review status: criteria provided, single submitter. Criteria: ACMG Guidelines, 2015. Collection method: clinical testing. Allele origin: germline. Inheritance: Autosomal dominant inheritance. Affected: yes.
Comment: c.1865_1903+274del is a deletion encompassing part of exon 9 and of intron 9 of the BARD1 gene. It is not present in either of the population databases gnomAD v4.1.0 and gnomAD SVs v4.1.0 (PM2_supporting). The SpliceAI algorithm predicts that the variant impairs the splicing donor site of intron 9 (delta score = 0.99). An internal RNA assay with primers annealing exons 7 and 11 showed two alternative transcripts: 1) the major one produces the skipping of exons 8 and 9 (r.1678_1903del), a frameshift alteration predicted to trigger NMD (p.Met560Glyfs*2); 2) the minor one causes the skipping of exon 9, an in-frame alteration not predicted to trigger NMD, that removes a central region of the critical domain BRCT1 (r.1811_1903del; p.Val604_Trp635delinsGly). These two transcripts were not present in controls (PVS1 (RNA)). This variant has been identified in two individuals affected with breast cancer (internal data). This variant has only been reported twice in ClinVar (1x pathogenic, 1x likely pathogenic). Based on currently available information, c.1865_1903+274del should be considered a likely pathogenic variant according to ACMG guidelines.